The following is an entry in ClinVar:

NM_006531.5(IFT88):c.1157T>C (p.Ile386Thr)

Gene: IFT88 (intraflagellar transport 88; plus strand). Cytogenetic location: 13q12.11.
Variant type: single nucleotide variant.
Coding change: c.1157T>C on transcript NM_006531.5 (MANE Select); coding-DNA position 1157, T replaced by C.
Protein change: p.Ile386Thr; replaces isoleucine 386 with threonine.
Molecular consequence: missense variant. On other transcripts: non-coding transcript variant (5), intron variant (1).
Genome position (GRCh38, 1-based): chr13:20,615,837, T>C. VCF-style: chr13-20615837-T-C. GRCh37 (hg19) VCF-style: chr13-21189976-T-C.
Other names: c.1100T>C, p.Ile367Thr (NM_001318491.2, NM_001353575.2); c.1184T>C, p.Ile395Thr (NM_001318493.2, NM_001353565.2, NM_001353566.2 and 2 more transcripts); c.1157T>C, p.Ile386Thr (NM_001353568.2, NM_001353572.2); c.1082T>C, p.Ile361Thr (NM_001353569.2, NM_001353570.2, NM_001353576.2 and 1 more transcripts); c.1055T>C, p.Ile352Thr (NM_001353571.2, NM_001353578.2); c.998T>C, p.Ile333Thr (NM_001353574.2); c.524T>C, p.Ile175Thr (NM_001353579.2); c.1056-9913T>C (NM_001353573.2); short protein forms I175T, I352T, I361T, I395T, I333T, I386T, I367T.
Identifiers: ClinVar variation 2789878 (VCV002789878.3), dbSNP rs367557180, ClinGen allele CA246533338.

ClinVar aggregate classification (germline): Uncertain significance (1 of 4 stars; one submission).

Allele frequency attached by ClinVar (database versions not stated): gnomAD exomes below 0.00001.
gnomAD v4.1: 1 of 1,609,334 alleles (0.000062%); highest among the groups gnomAD compares: Non-Finnish European, 0.000085%; no homozygotes.

Submission:

Labcorp Genetics (formerly Invitae), Labcorp
Classification: Uncertain significance. Last evaluated: 2025-07-22. Review status: criteria provided, single submitter. Criteria: Invitae Variant Classification Sherloc (09022015). Collection method: clinical testing. Allele origin: germline.
Comment: This sequence change replaces isoleucine, which is neutral and non-polar, with threonine, which is neutral and polar, at codon 395 of the IFT88 protein (p.Ile395Thr). This variant is not present in population databases (gnomAD no frequency). This variant has not been reported in the literature in individuals affected with IFT88-related conditions. ClinVar contains an entry for this variant (Variation ID: 2789878). An algorithm developed to predict the effect of missense changes on protein structure and function (PolyPhen-2) suggests that this variant is likely to be disruptive. In summary, the available evidence is currently insufficient to determine the role of this variant in disease. Therefore, it has been classified as a Variant of Uncertain Significance.